The following is an entry in ClinVar:

ClinVar aggregate classification (germline): Conflicting classifications of pathogenicity. Review status: criteria provided, conflicting classifications (1 of 4 stars). 3 submissions from 3 submitters: Uncertain significance (1); Likely benign (1). 1 of the submissions does not count toward it. Last evaluated 2025-10-26.

Conditions:
COL11A2-related disorder. Also called: COL11A2-related condition; COL11A2-related disorders.

Allele frequency attached by ClinVar (database versions not stated): ExAC 0.00002; ESP Exome Variant Server 0.00008; gnomAD 0.00008 and 0.00009; TOPMed 0.00008.
gnomAD v4.1: 37 of 1,613,316 alleles (0.0023%); highest among the groups gnomAD compares: Middle Eastern, 0.033%; no homozygotes.

Submissions (3):

Labcorp Genetics (formerly Invitae), Labcorp
Classification: Uncertain significance. Last evaluated: 2025-10-26. Review status: criteria provided, single submitter. Criteria: Invitae Variant Classification Sherloc (09022015). Collection method: clinical testing. Allele origin: germline.
Comment: This sequence change affects codon 1464 of the COL11A2 mRNA. It is a 'silent' change, meaning that it does not change the encoded amino acid sequence of the COL11A2 protein. It affects a nucleotide within the consensus splice site. This variant is present in population databases (rs372419316, gnomAD 0.02%). This variant has not been reported in the literature in individuals affected with COL11A2-related conditions. ClinVar contains an entry for this variant (Variation ID: 1428912). Algorithms developed to predict the effect of sequence changes on RNA splicing suggest that this variant is not likely to affect RNA splicing. In summary, the available evidence is currently insufficient to determine the role of this variant in disease. Therefore, it has been classified as a Variant of Uncertain Significance.

Blueprint Genetics
Classification: Likely benign. Last evaluated: 2024-08-09. Review status: criteria provided, single submitter. Criteria: ACMG Guidelines, 2015. Collection method: clinical testing. Allele origin: germline.

PreventionGenetics, part of Exact Sciences
Classification: Likely benign for COL11A2-related condition. Last evaluated: 2019-06-25. Review status: no assertion criteria provided. Collection method: clinical testing. Allele origin: germline. Not counted in ClinVar's aggregate classification.
Comment: This variant is classified as likely benign based on ACMG/AMP sequence variant interpretation guidelines (Richards et al. 2015 PMID: 25741868, with internal and published modifications).

NM_080680.3(COL11A2):c.4392C>T (p.Pro1464=)

Gene: COL11A2 (collagen type XI alpha 2 chain; minus strand). Cytogenetic location: 6p21.32.
Variant type: single nucleotide variant.
Coding change: c.4392C>T on transcript NM_080680.3 (MANE Select); coding-DNA position 4392, C replaced by T.
Protein change: p.Pro1464=; no amino-acid change (proline 1464 retained).
Molecular consequence: synonymous variant.
Genome position (GRCh38, 1-based): chr6:33,166,513, G>A on the plus strand (C>T on the coding strand, the complement: COL11A2 is on the minus strand). VCF-style: chr6-33166513-G-A. GRCh37 (hg19) VCF-style: chr6-33134290-G-A.
Other names: c.4071C>T, p.Pro1357= (NM_080679.3); c.4134C>T, p.Pro1378= (NM_080681.3); c.4392C>T (NM_080680.2).
Identifiers: ClinVar variation 1428912 (VCV001428912.8), dbSNP rs372419316, ClinGen allele CA3750114.